The following is an entry in ClinVar:

ClinVar aggregate classification (germline): conflicting data from submitters (0 of 4 stars; one submission).

Submission:

ISCA Site 6
Classification: conflicting data from submitters. Review status: no assertion criteria provided. Collection method: clinical testing. Allele origin: unknown. Affected: yes. Observed: 2 variant alleles.
Comment: Uncertain significance(1), Likely benign (1)

Copy number variation identified through the course of routine clinical cytogenomic testing in postnatal populations, with clinical assertions as classified by the original submitter. For data from the original published study, Kaminsky, et al. 2011 (PubMed 21844811), please see nstd101.

GRCh37/hg19 14q13.2(chr14:35734798-35784055)x3

Genes: PRORP (protein only RNase P catalytic subunit; plus strand), PSMA6 (proteasome 20S subunit alpha 6; plus strand). Cytogenetic location: 14q13.2.
Variant type: copy number gain.
Change: copy number 3 (three copies instead of two) of chr14:35,734,798-35,784,055 (49.3 kb, GRCh37 coordinates, 1-based), cytogenetic band 14q13.2.
Identifiers: ClinVar variation 394153 (VCV000394153.4).